The following is an entry in ClinVar:

NM_152464.3(VMA12):c.16C>T (p.Leu6Phe)

Gene: VMA12 (vacuolar ATPase assembly factor VMA12; plus strand). Cytogenetic location: 17q11.2.
Variant type: single nucleotide variant.
Coding change: c.16C>T on transcript NM_152464.3 (MANE Select); coding-DNA position 16, C replaced by T.
Protein change: p.Leu6Phe; replaces leucine 6 with phenylalanine.
Molecular consequence: missense variant.
Genome position (GRCh38, 1-based): chr17:28,357,686, C>T. VCF-style: chr17-28357686-C-T. GRCh37 (hg19) VCF-style: chr17-26684709-C-T.
Other names: short protein forms L6F.
Identifiers: ClinVar variation 1944543 (VCV001944543.3), dbSNP rs147283137, ClinGen allele CA398313688.

ClinVar aggregate classification (germline): Uncertain significance (1 of 4 stars; one submission).

gnomAD v4.1: 5 of 1,612,682 alleles (0.00031%); highest among the groups gnomAD compares: Admixed American, 0.0017%; no homozygotes.

Submission:

Labcorp Genetics (formerly Invitae), Labcorp
Classification: Uncertain significance. Last evaluated: 2022-07-05. Review status: criteria provided, single submitter. Criteria: Invitae Variant Classification Sherloc (09022015). Collection method: clinical testing. Allele origin: germline.
Comment: In summary, the available evidence is currently insufficient to determine the role of this variant in disease. Therefore, it has been classified as a Variant of Uncertain Significance. Algorithms developed to predict the effect of missense changes on protein structure and function (SIFT, PolyPhen-2, Align-GVGD) all suggest that this variant is likely to be tolerated. This variant has not been reported in the literature in individuals affected with TMEM199-related conditions. This variant is present in population databases (no rsID available, gnomAD no frequency). This sequence change replaces leucine, which is neutral and non-polar, with phenylalanine, which is neutral and non-polar, at codon 6 of the TMEM199 protein (p.Leu6Phe).